The following is an entry in ClinVar:

NM_145290.4(ADGRA3):c.1089G>A (p.Trp363Ter)

Gene: ADGRA3 (adhesion G protein-coupled receptor A3; minus strand). Cytogenetic location: 4p15.2.
Variant type: single nucleotide variant.
Coding change: c.1089G>A on transcript NM_145290.4 (MANE Select); coding-DNA position 1089, G replaced by A.
Protein change: p.Trp363Ter; replaces tryptophan 363 with a stop codon.
Molecular consequence: nonsense.
Genome position (GRCh38, 1-based): chr4:22,436,638, C>T on the plus strand (G>A on the coding strand, the complement: ADGRA3 is on the minus strand). VCF-style: chr4-22436638-C-T. GRCh37 (hg19) VCF-style: chr4-22438261-C-T.
Other names: short protein forms W363*.
Identifiers: ClinVar variation 2017256 (VCV002017256.4), dbSNP rs2474782394, ClinGen allele CA356482459.

ClinVar aggregate classification (germline): Uncertain significance (1 of 4 stars; one submission).

gnomAD v4.1: 1 of 1,613,556 alleles (0.000062%); no homozygotes.

Submission:

Labcorp Genetics (formerly Invitae), Labcorp
Classification: Uncertain significance. Last evaluated: 2022-07-15. Review status: criteria provided, single submitter. Criteria: Invitae Variant Classification Sherloc (09022015). Collection method: clinical testing. Allele origin: germline.
Comment: This sequence change creates a premature translational stop signal (p.Trp363*) in the ADGRA3 gene. It is expected to result in an absent or disrupted protein product. However, the current clinical and genetic evidence is not sufficient to establish whether loss-of-function variants in ADGRA3 cause disease. This variant is not present in population databases (gnomAD no frequency). This variant has not been reported in the literature in individuals affected with ADGRA3-related conditions. In summary, the available evidence is currently insufficient to determine the role of this variant in disease. Therefore, it has been classified as a Variant of Uncertain Significance.